The following is an entry in ClinVar:

NM_015602.4(TOR1AIP1):c.358G>A (p.Glu120Lys)

Genes: TOR1AIP1 (torsin 1A interacting protein 1; plus strand), LOC112577517 (Sharpr-MPRA regulatory region 13766; plus strand). Cytogenetic location: 1q25.2.
Variant type: single nucleotide variant.
Coding change: c.358G>A on transcript NM_015602.4 (MANE Select); coding-DNA position 358, G replaced by A.
Protein change: p.Glu120Lys; replaces glutamic acid 120 with lysine.
Molecular consequence: missense variant.
Genome position (GRCh38, 1-based): chr1:179,882,860, G>A. VCF-style: chr1-179882860-G-A. GRCh37 (hg19) VCF-style: chr1-179851995-G-A.
Other names: c.358G>A, p.Glu120Lys (NM_001267578.2); short protein forms E120K.
Identifiers: ClinVar variation 2284243 (VCV002284243.3), dbSNP rs1472497370, ClinGen allele CA343578138.
Genomic context (GRCh38, chr1:179,882,860, plus strand): 5'-AGAGAAAGCGCGTACTACCTTCGGTCTAGGCAGCGGAGGCAGCCGCGACCCCAGGAAACC[G>A]AGGAAATGAAGACGCGAAGGACTACCCGCCTTCAGCAGCAGCACTCAGAGCAGCCTCCGC-3'
Protein context (NP_056417.2, residues 110-130): QRRQPRPQET[Glu120Lys]EMKTRRTTRL

ClinVar aggregate classification (germline): Uncertain significance. Review status: criteria provided, multiple submitters, no conflicts (2 of 4 stars). 2 submissions from 2 submitters: Uncertain significance (2). Last evaluated 2025-02-17.

Conditions:
Autosomal recessive limb-girdle muscular dystrophy type 2Y (MRRSDC). Also called: Muscular dystrophy, autosomal recessive, with rigid spine and distal joint contractures; Muscular dystrophy, limb-girdle, type 2y. Identifiers: Orphanet 424261, MedGen C4511482, MONDO:0014900, OMIM 617072.
Inborn genetic diseases. Identifiers: MedGen C0950123, MeSH D030342.

Allele frequency attached by ClinVar (database versions not stated): gnomAD 0.00001; TOPMed 0.00001.
gnomAD v4.1: 17 of 1,614,098 alleles (0.0011%); highest among the groups gnomAD compares: Non-Finnish European, 0.0014%; no homozygotes.

Submissions (2):

Labcorp Genetics (formerly Invitae), Labcorp
Classification: Uncertain significance for Autosomal recessive limb-girdle muscular dystrophy type 2Y. Last evaluated: 2025-02-17. Review status: criteria provided, single submitter. Criteria: Invitae Variant Classification Sherloc (09022015). Collection method: clinical testing. Allele origin: germline.
Comment: This sequence change replaces glutamic acid, which is acidic and polar, with lysine, which is basic and polar, at codon 120 of the TOR1AIP1 protein (p.Glu120Lys). This variant is present in population databases (no rsID available, gnomAD 0.002%). This variant has not been reported in the literature in individuals affected with TOR1AIP1-related conditions. ClinVar contains an entry for this variant (Variation ID: 2284243). Invitae Evidence Modeling of protein sequence and biophysical properties (such as structural, functional, and spatial information, amino acid conservation, physicochemical variation, residue mobility, and thermodynamic stability) indicates that this missense variant is not expected to disrupt TOR1AIP1 protein function with a negative predictive value of 80%. In summary, the available evidence is currently insufficient to determine the role of this variant in disease. Therefore, it has been classified as a Variant of Uncertain Significance.

Ambry Genetics
Classification: Uncertain significance for Inborn genetic diseases. Last evaluated: 2022-04-13. Review status: criteria provided, single submitter. Criteria: Ambry Variant Classification Scheme 2023. Collection method: clinical testing. Allele origin: germline.